The following is an entry in ClinVar:

NM_004168.4(SDHA):c.898A>G (p.Ile300Val)

Gene: SDHA (succinate dehydrogenase complex flavoprotein subunit A; plus strand). Cytogenetic location: 5p15.33.
Variant type: single nucleotide variant.
Coding change: c.898A>G on transcript NM_004168.4 (MANE Select); coding-DNA position 898, A replaced by G.
Protein change: p.Ile300Val; replaces isoleucine 300 with valine.
Molecular consequence: missense variant.
Genome position (GRCh38, 1-based): chr5:233,479, A>G. VCF-style: chr5-233479-A-G. GRCh37 (hg19) VCF-style: chr5-233594-A-G.
Other names: c.754A>G, p.Ile252Val (NM_001294332.2); c.898A>G, p.Ile300Val (NM_001330758.2); short protein forms I300V, I252V.
Identifiers: ClinVar variation 1765340 (VCV001765340.6), dbSNP rs1448561231, ClinGen allele CA359012510.
Genomic context (GRCh38, chr5:233,479, plus strand): 5'-GCATTTGAAATAGAGATCTAGCAATTGTTAGGTAATAAATATGTGTGGTTTTTTGCAGGC[A>G]TATATGGTGCTGGTTGTCTCATTACGGAAGGATGTCGTGGAGAGGGAGGCATTCTCATTA-3'
Protein context (NP_004159.2, residues 290-310): LEFVQFHPTG[Ile300Val]YGAGCLITEG

ClinVar aggregate classification (germline): Uncertain significance. Review status: criteria provided, multiple submitters, no conflicts (2 of 4 stars). 2 submissions from 2 submitters: Uncertain significance (2). Last evaluated 2025-01-21.

Conditions:
Hereditary cancer-predisposing syndrome. Also called: Hereditary Cancer Syndrome; Hereditary neoplastic syndrome; Neoplastic Syndromes, Hereditary; Tumor predisposition. Identifiers: Orphanet 140162, MedGen C0027672, MeSH D009386, MONDO:0015356.
Mitochondrial complex II deficiency, nuclear type 1. Also called: SUCCINATE CoQ REDUCTASE DEFICIENCY. Identifiers: Orphanet 3208, MedGen C5700310, MONDO:0100294, OMIM 252011.
Pheochromocytoma/paraganglioma syndrome 5. Also called: Paragangliomas 5; SDHA-Related Hereditary Paraganglioma-Pheochromocytoma Syndrome. Identifiers: Orphanet 29072, MedGen C3279992, MONDO:0013602, OMIM 614165.

Allele frequency attached by ClinVar (database versions not stated): gnomAD exomes below 0.00001; TOPMed below 0.00001; gnomAD 0.00001.
gnomAD v4.1: 2 of 1,613,630 alleles (0.00012%); highest among the groups gnomAD compares: African/African-American, 0.0013%; no homozygotes.

Submissions (2):

Labcorp Genetics (formerly Invitae), Labcorp
Classification: Uncertain significance for Pheochromocytoma/paraganglioma syndrome 5; Mitochondrial complex II deficiency, nuclear type 1. Last evaluated: 2025-01-21. Review status: criteria provided, single submitter. Criteria: Invitae Variant Classification Sherloc (09022015). Collection method: clinical testing. Allele origin: germline.
Comment: This sequence change replaces isoleucine, which is neutral and non-polar, with valine, which is neutral and non-polar, at codon 300 of the SDHA protein (p.Ile300Val). This variant is present in population databases (no rsID available, gnomAD 0.01%). This variant has not been reported in the literature in individuals affected with SDHA-related conditions. ClinVar contains an entry for this variant (Variation ID: 1765340). An algorithm developed to predict the effect of missense changes on protein structure and function (PolyPhen-2) suggests that this variant¬¨‚Ä†is likely to be tolerated. In summary, the available evidence is currently insufficient to determine the role of this variant in disease. Therefore, it has been classified as a Variant of Uncertain Significance.

Ambry Genetics
Classification: Uncertain significance for Hereditary cancer-predisposing syndrome. Last evaluated: 2022-03-01. Review status: criteria provided, single submitter. Criteria: Ambry Variant Classification Scheme 2023. Collection method: clinical testing. Allele origin: germline.
Comment: The p.I300V variant (also known as c.898A>G), located in coding exon 8 of the SDHA gene, results from an A to G substitution at nucleotide position 898. The isoleucine at codon 300 is replaced by valine, an amino acid with highly similar properties. This amino acid position is conserved. In addition, the in silico prediction for this alteration is inconclusive. Since supporting evidence is limited at this time, the clinical significance of this alteration remains unclear.